The following is an entry in ClinVar:

NM_020884.7(MYH7B):c.981T>C (p.Asn327=)

Gene: MYH7B (myosin heavy chain 7B; plus strand). Cytogenetic location: 20q11.22.
Variant type: single nucleotide variant.
Coding change: c.981T>C on transcript NM_020884.7 (MANE Select); coding-DNA position 981, T replaced by C.
Protein change: p.Asn327=; no amino-acid change (asparagine 327 retained).
Molecular consequence: synonymous variant.
Genome position (GRCh38, 1-based): chr20:34,986,962, T>C. VCF-style: chr20-34986962-T-C. GRCh37 (hg19) VCF-style: chr20-33574765-T-C.
Other names: c.1107T>C (NM_020884.4).
Identifiers: ClinVar variation 1597793 (VCV001597793.11), dbSNP rs3746446, ClinGen allele CA9826731.

ClinVar aggregate classification (germline): Benign. Review status: criteria provided, multiple submitters, no conflicts (2 of 4 stars). 3 submissions from 3 submitters: Benign (2). 1 of the submissions does not count toward it. Last evaluated 2026-02-01.

Conditions:
MYH7B-related disorder. Also called: MYH7B-related condition.

Allele frequency attached by ClinVar (database versions not stated): 1000 Genomes Project 30x 0.17083; 1000 Genomes Project 0.17452; gnomAD 0.18335 and 0.18425; ExAC 0.19593; TOPMed 0.18032; ESP Exome Variant Server 0.18793; gnomAD exomes 0.18878 and 0.19259.
gnomAD v4.1: 304,259 of 1,613,396 alleles (19%); highest among the groups gnomAD compares: Middle Eastern, 33%; 29,957 homozygotes.

Submissions (3):

Labcorp Genetics (formerly Invitae), Labcorp
Classification: Benign. Last evaluated: 2026-02-01. Review status: criteria provided, single submitter. Criteria: Invitae Variant Classification Sherloc (09022015). Collection method: clinical testing. Allele origin: germline.

Breakthrough Genomics
Classification: Benign. Review status: criteria provided, single submitter. Criteria: ACMG Guidelines, 2015. Collection method: not provided. Allele origin: germline. Inheritance: Unknown mechanism. Affected: yes.

PreventionGenetics, part of Exact Sciences
Classification: Benign for MYH7B-related condition. Last evaluated: 2019-10-17. Review status: no assertion criteria provided. Collection method: clinical testing. Allele origin: germline. Not counted in ClinVar's aggregate classification.
Comment: This variant is classified as benign based on ACMG/AMP sequence variant interpretation guidelines (Richards et al. 2015 PMID: 25741868, with internal and published modifications).